The following is an entry in ClinVar:

NM_014244.5(ADAMTS2):c.3323C>T (p.Pro1108Leu)

Gene: ADAMTS2 (ADAM metallopeptidase with thrombospondin type 1 motif 2; minus strand). Cytogenetic location: 5q35.3.
Variant type: single nucleotide variant.
Coding change: c.3323C>T on transcript NM_014244.5 (MANE Select); coding-DNA position 3323, C replaced by T.
Protein change: p.Pro1108Leu; replaces proline 1108 with leucine.
Molecular consequence: missense variant.
Genome position (GRCh38, 1-based): chr5:179,114,180, G>A on the plus strand (C>T on the coding strand, the complement: ADAMTS2 is on the minus strand). VCF-style: chr5-179114180-G-A. GRCh37 (hg19) VCF-style: chr5-178541181-G-A.
Other names: short protein forms P1108L.
Identifiers: ClinVar variation 2994099 (VCV002994099.3), dbSNP rs748162738, ClinGen allele CA3595257.

ClinVar aggregate classification (germline): Uncertain significance (1 of 4 stars; one submission).

Conditions:
Ehlers-Danlos syndrome, dermatosparaxis type. Also called: EDS VIIC; Dermatosparaxis; Ehlers-Danlos syndrome, type VII, autosomal recessive. Identifiers: Orphanet 1901, MedGen C2700425, MONDO:0009161, OMIM 225410.

Allele frequency attached by ClinVar (database versions not stated): gnomAD exomes below 0.00001; TOPMed below 0.00001; ExAC 0.00001; gnomAD 0.00001.
gnomAD v4.1: 6 of 1,611,994 alleles (0.00037%); highest among the groups gnomAD compares: Non-Finnish European, 0.00051%; no homozygotes.

Submission:

Labcorp Genetics (formerly Invitae), Labcorp
Classification: Uncertain significance for Ehlers-Danlos syndrome, dermatosparaxis type. Last evaluated: 2025-01-29. Review status: criteria provided, single submitter. Criteria: Invitae Variant Classification Sherloc (09022015). Collection method: clinical testing. Allele origin: germline.
Comment: This sequence change replaces proline, which is neutral and non-polar, with leucine, which is neutral and non-polar, at codon 1108 of the ADAMTS2 protein (p.Pro1108Leu). This variant is present in population databases (rs748162738, gnomAD 0.002%). This variant has not been reported in the literature in individuals affected with ADAMTS2-related conditions. ClinVar contains an entry for this variant (Variation ID: 2994099). An algorithm developed to predict the effect of missense changes on protein structure and function outputs the following: PolyPhen-2: "Benign". The leucine amino acid residue is found in multiple mammalian species, which suggests that this missense change does not adversely affect protein function. In summary, the available evidence is currently insufficient to determine the role of this variant in disease. Therefore, it has been classified as a Variant of Uncertain Significance.